The following is an entry in ClinVar:

ClinVar aggregate classification (germline): Pathogenic (1 of 4 stars; one submission).

Conditions:
Hereditary cancer-predisposing syndrome. Also called: Tumor predisposition; Neoplastic Syndromes, Hereditary; Hereditary Cancer Syndrome; Hereditary neoplastic syndrome. Identifiers: Orphanet 140162, MedGen C0027672, MeSH D009386, MONDO:0015356.

Submission:

Labcorp Genetics (formerly Invitae), Labcorp
Classification: Pathogenic for Hereditary cancer-predisposing syndrome. Last evaluated: 2023-02-18. Review status: criteria provided, single submitter. Criteria: Invitae Variant Classification Sherloc (09022015). Collection method: clinical testing. Allele origin: germline.
Comment: For these reasons, this variant has been classified as Pathogenic. This variant has not been reported in the literature in individuals affected with RAD50-related conditions. This variant is not present in population databases (gnomAD no frequency). This sequence change creates a premature translational stop signal (p.Glu47*) in the RAD50 gene. It is expected to result in an absent or disrupted protein product. Loss-of-function variants in RAD50 are known to be pathogenic (PMID: 19409520).

Literature cited by the submitters: PubMed 19409520.

NM_005732.4(RAD50):c.138dup (p.Glu47Ter)

Gene: RAD50 (RAD50 double strand break repair protein; plus strand). Cytogenetic location: 5q31.1.
Variant type: Duplication.
Coding change: c.138dup on transcript NM_005732.4 (MANE Select); coding-DNA position 138, one base duplicated (T; older notation c.138dupT).
Protein change: p.Glu47Ter; replaces glutamic acid 47 with a stop codon.
Molecular consequence: nonsense.
Genome position (GRCh38, 1-based): chr5:132,559,292, T duplicated; the last of 2 consecutive T bases (chr5:132,559,291-132,559,292); duplicating either gives the same sequence. VCF-style (leftmost placement, unchanged base first): chr5-132559290-A-AT. GRCh37 (hg19) VCF-style: chr5-131894982-A-AT.
Other names: short protein forms E47*.
Identifiers: ClinVar variation 2838608 (VCV002838608.3), dbSNP rs2479579590, ClinGen allele CA2739275057.